The following is an entry in ClinVar:

ClinVar aggregate classification (germline): Uncertain significance (1 of 4 stars; one submission).

Conditions:
Combined immunodeficiency due to OX40 deficiency. Also called: Immunodeficiency 16; OX40 DEFICIENCY. Identifiers: Orphanet 431149, MedGen C3810053, MONDO:0014268, OMIM 615593.

Submission:

Labcorp Genetics (formerly Invitae), Labcorp
Classification: Uncertain significance for Combined immunodeficiency due to OX40 deficiency. Last evaluated: 2021-01-14. Review status: criteria provided, single submitter. Criteria: Invitae Variant Classification Sherloc (09022015). Collection method: clinical testing. Allele origin: germline.
Comment: This sequence change replaces alanine with glutamic acid at codon 164 of the TNFRSF4 protein (p.Ala164Glu). The alanine residue is highly conserved and there is a moderate physicochemical difference between alanine and glutamic acid. This variant is not present in population databases (ExAC no frequency). This variant has not been reported in the literature in individuals with TNFRSF4-related conditions. Algorithms developed to predict the effect of missense changes on protein structure and function are either unavailable or do not agree on the potential impact of this missense change (SIFT: "Deleterious"; PolyPhen-2: "Probably Damaging"; Align-GVGD: "Class C15"). In summary, the available evidence is currently insufficient to determine the role of this variant in disease. Therefore, it has been classified as a Variant of Uncertain Significance.

NM_003327.4(TNFRSF4):c.491C>A (p.Ala164Glu)

Gene: TNFRSF4 (TNF receptor superfamily member 4; minus strand). Cytogenetic location: 1p36.33.
Variant type: single nucleotide variant.
Coding change: c.491C>A on transcript NM_003327.4 (MANE Select); coding-DNA position 491, C replaced by A.
Protein change: p.Ala164Glu; replaces alanine 164 with glutamic acid.
Molecular consequence: missense variant.
Genome position (GRCh38, 1-based): chr1:1,212,085, G>T on the plus strand (C>A on the coding strand, the complement: TNFRSF4 is on the minus strand). VCF-style: chr1-1212085-G-T. GRCh37 (hg19) VCF-style: chr1-1147465-G-T.
Other names: short protein forms A164E.
Identifiers: ClinVar variation 1502582 (VCV001502582.8), dbSNP rs2100950839, ClinGen allele CA337799518.
Genomic context (GRCh38, chr1:1,212,085, plus strand): 5'-GCCGGGGGGCCCTGGGTCTCCTGGGGCTGCGTGGCTGGGGGGTCCCTGTCCTCACAGATT[G>T]CGTCCGAGCTATTGCTGGCCGGCTGCAGGGTGTGCTTCCCAGCCAAGGTGCAGCTGTTGG-3'
Protein context (NP_003318.1, residues 154-174): TLQPASNSSD[Ala164Glu]ICEDRDPPAT